The following is an entry in ClinVar:

ClinVar aggregate classification (germline): Likely pathogenic (1 of 4 stars; one submission).

Conditions:
Autosomal dominant GLI2-related disorders.

Submission:

Variantyx, Inc.
Classification: Likely pathogenic for Autosomal dominant GLI2-related disorders. Last evaluated: 2025-12-02. Review status: criteria provided, single submitter. Criteria: Variantyx Assertion Criteria 2022. Collection method: clinical testing. Allele origin: germline. Inheritance: Autosomal dominant inheritance. Affected: yes.
Comment: This is a nonsense variant in the GLI2 gene (OMIM: 165230). Pathogenic variants in this gene have been associated with autosomal dominant GLI2-related disorders. This variant introduces a premature termination codon in exon 10 out of 14 and is expected to result in loss of function, which is a known disease mechanism for GLI2 in this disorder (PMID: 20685856, 24744436) (PVS1). This variant has been reported in the heterozygous state in at least one affected individuals (PMID: 14581620), while it is absent from control populations (PM2). Based on the current evidence, this variant is classified as likely pathogenic for autosomal dominant GLI2-related disorders.

Literature cited by the submitters: PubMed 20685856; PubMed 24744436.

NM_001374353.1(GLI2):c.1435C>T (p.Arg479Ter)

Gene: GLI2 (GLI family zinc finger 2; plus strand). Cytogenetic location: 2q14.2.
Variant type: single nucleotide variant.
Coding change: c.1435C>T on transcript NM_001374353.1 (MANE Select); coding-DNA position 1435, C replaced by T.
Protein change: p.Arg479Ter; replaces arginine 479 with a stop codon.
Molecular consequence: nonsense.
Genome position (GRCh38, 1-based): chr2:120,978,551, C>T. VCF-style: chr2-120978551-C-T. GRCh37 (hg19) VCF-style: chr2-121736127-C-T.
Other names: c.1486C>T, p.Arg496Ter (NM_001371271.1, NM_005270.5); c.1060C>T, p.Arg354Ter (NM_001374354.1); short protein forms R354*, R479*, R496*.
Identifiers: ClinVar variation 4852259 (VCV004852259.1).